The following is an entry in ClinVar:

NM_004924.6(ACTN4):c.1954C>T (p.Arg652Cys)

Gene: ACTN4 (actinin alpha 4; plus strand). Cytogenetic location: 19q13.2.
Variant type: single nucleotide variant.
Coding change: c.1954C>T on transcript NM_004924.6 (MANE Select); coding-DNA position 1954, C replaced by T.
Protein change: p.Arg652Cys; replaces arginine 652 with cysteine.
Molecular consequence: missense variant.
Genome position (GRCh38, 1-based): chr19:38,724,509, C>T. VCF-style: chr19-38724509-C-T. GRCh37 (hg19) VCF-style: chr19-39215149-C-T.
Other names: c.1954C>T, p.Arg652Cys (NM_001322033.2, NM_001411143.1); c.1954C>T (NM_004924.4); short protein forms R652C.
Identifiers: ClinVar variation 2251612 (VCV002251612.8), dbSNP rs759411096, ClinGen allele CA9417837.
Genomic context (GRCh38, chr19:38,724,509, plus strand): 5'-AAACGGGACCATGCCCTCCTGGAGGAGCAGAGCAAGCAGCAGTCCAACGAGCACCTGCGC[C>T]GCCAGTTCGCCAGCCAGGCCAATGTTGTGGGGCCCTGGATCCAGACCAAGATGGAGGTGA-3'
Protein context (NP_004915.2, residues 642-662): SKQQSNEHLR[Arg652Cys]QFASQANVVG

ClinVar aggregate classification (germline): Uncertain significance. Review status: criteria provided, multiple submitters, no conflicts (2 of 4 stars). 2 submissions from 2 submitters: Uncertain significance (2). Last evaluated 2025-08-20.

Conditions:
Inborn genetic diseases. Identifiers: MedGen C0950123, MeSH D030342.

Allele frequency attached by ClinVar (database versions not stated): gnomAD 0.00001; TOPMed 0.00001; gnomAD exomes 0.00002; ExAC 0.00003.
gnomAD v4.1: 27 of 1,613,172 alleles (0.0017%); highest among the groups gnomAD compares: South Asian, 0.0099%; no homozygotes.

Submissions (2):

Labcorp Genetics (formerly Invitae), Labcorp
Classification: Uncertain significance. Last evaluated: 2025-08-20. Review status: criteria provided, single submitter. Criteria: Invitae Variant Classification Sherloc (09022015). Collection method: clinical testing. Allele origin: germline.
Comment: This sequence change replaces arginine, which is basic and polar, with cysteine, which is neutral and slightly polar, at codon 652 of the ACTN4 protein (p.Arg652Cys). This variant is present in population databases (rs759411096, gnomAD 0.02%). This variant has not been reported in the literature in individuals affected with ACTN4-related conditions. ClinVar contains an entry for this variant (Variation ID: 2251612). Invitae Evidence Modeling of protein sequence and biophysical properties (such as structural, functional, and spatial information, amino acid conservation, physicochemical variation, residue mobility, and thermodynamic stability) indicates that this missense variant is not expected to disrupt ACTN4 protein function with a negative predictive value of 80%. In summary, the available evidence is currently insufficient to determine the role of this variant in disease. Therefore, it has been classified as a Variant of Uncertain Significance.

Ambry Genetics
Classification: Uncertain significance for Inborn genetic diseases. Last evaluated: 2021-09-17. Review status: criteria provided, single submitter. Criteria: Ambry Variant Classification Scheme 2023. Collection method: clinical testing. Allele origin: germline.